The following is an entry in ClinVar:

NM_002480.3(PPP1R12A):c.2698C>T (p.Arg900Ter)

Gene: PPP1R12A (protein phosphatase 1 regulatory subunit 12A; minus strand). Cytogenetic location: 12q21.2.
Variant type: single nucleotide variant.
Coding change: c.2698C>T on transcript NM_002480.3 (MANE Select); coding-DNA position 2698, C replaced by T.
Protein change: p.Arg900Ter; replaces arginine 900 with a stop codon.
Molecular consequence: nonsense.
Genome position (GRCh38, 1-based): chr12:79,788,752, G>A on the plus strand (C>T on the coding strand, the complement: PPP1R12A is on the minus strand). VCF-style: chr12-79788752-G-A. GRCh37 (hg19) VCF-style: chr12-80182532-G-A.
Other names: c.2698C>T, p.Arg900Ter (NM_001143885.2, NM_001244990.2); c.2437C>T, p.Arg813Ter (NM_001143886.2); c.2530C>T, p.Arg844Ter (NM_001244992.1); short protein forms R813*, R844*, R900*.
Identifiers: ClinVar variation 976721 (VCV000976721.9), dbSNP rs868109198, ClinGen allele CA240144876.

ClinVar aggregate classification (germline): Pathogenic. Review status: criteria provided, multiple submitters, no conflicts (2 of 4 stars). 3 submissions from 3 submitters: Pathogenic (3). Last evaluated 2023-02-02.

Conditions:
Genitourinary and/or brain malformation syndrome (GUBS). Also called: PPP1R12A-Related Urogenital and/or Brain Malformation Syndrome. Identifiers: MedGen C5394158, MONDO:0032934, OMIM 618820.

Submissions (3):

Labcorp Genetics (formerly Invitae), Labcorp
Classification: Pathogenic. Last evaluated: 2023-02-02. Review status: criteria provided, single submitter. Criteria: Invitae Variant Classification Sherloc (09022015). Collection method: clinical testing. Allele origin: germline.
Comment: This sequence change creates a premature translational stop signal (p.Arg900*) in the PPP1R12A gene. It is expected to result in an absent or disrupted protein product. Loss-of-function variants in PPP1R12A are known to be pathogenic (PMID: 31883643). This variant is not present in population databases (gnomAD no frequency). This premature translational stop signal has been observed in individual(s) with PPP1R12A-related conditions (PMID: 31883643). ClinVar contains an entry for this variant (Variation ID: 976721). For these reasons, this variant has been classified as Pathogenic.

GeneDx
Classification: Pathogenic. Last evaluated: 2022-11-25. Review status: criteria provided, single submitter. Criteria: GeneDx Variant Classification Process June 2021. Collection method: clinical testing. Allele origin: germline. Affected: yes.
Comment: Apparently de novo variant in a patient with multiple gynecological abnormalities (Hughes et al., 2020); Nonsense variant predicted to result in protein truncation or nonsense mediated decay in a gene for which loss of function is a known mechanism of disease; Not observed at significant frequency in large population cohorts (gnomAD); This variant is associated with the following publications: (PMID: 36313552, 31883643)

Institute of Human Genetics Munich, TUM University Hospital
Classification: Pathogenic for Genitourinary and/or brain malformation syndrome. Last evaluated: 2020-04-29. Review status: criteria provided, single submitter. Criteria: Classification criteria August 2017. Collection method: clinical testing. Allele origin: de novo. Inheritance: Autosomal dominant inheritance. Affected: yes. Observed: 1 heterozygote.

Literature cited by the submitters: PubMed 31883643 (cited by Labcorp Genetics (formerly Invitae), Labcorp and Institute of Human Genetics Munich, TUM University Hospital).